The following is an entry in ClinVar:

NM_001845.6(COL4A1):c.2777dup (p.Asp928fs)

Gene: COL4A1 (collagen type IV alpha 1 chain; minus strand). Cytogenetic location: 13q34.
Variant type: Duplication.
Coding change: c.2777dup on transcript NM_001845.6 (MANE Select); coding-DNA position 2777, one base duplicated (A; older notation c.2777dupA).
Protein change: p.Asp928fs; shifts the reading frame from aspartic acid 928.
Molecular consequence: frameshift variant.
Genome position (GRCh38, 1-based): chr13:110,176,977, T duplicated on the plus strand (A on the coding strand, the reverse complement: COL4A1 is on the minus strand); the first of 2 consecutive T bases (chr13:110,176,977-110,176,978); duplicating either gives the same sequence. VCF-style (leftmost placement, unchanged base first): chr13-110176976-C-CT. GRCh37 (hg19) VCF-style: chr13-110829323-C-CT.
Other names: c.2777dupA (NM_001845.6); short protein forms D928fs.
Identifiers: ClinVar variation 4686659 (VCV004686659.1).

ClinVar aggregate classification (germline): Likely pathogenic (1 of 4 stars; one submission).

Conditions:
Actin accumulation myopathy (CMYO2A). Also called: CONGENITAL MYOPATHY 2A, TYPICAL, AUTOSOMAL DOMINANT; Myopathy, actin, congenital, with cores; Nemaline myopathy 3, with intranuclear rods; Nemaline myopathy type 3; Myopathy, actin, congenital, with excess of thin myofilaments. Identifiers: Orphanet 98904, MedGen C3711389, MONDO:0008070, OMIM 161800.

Submission:

Nephrology, Zhejiang Provincial People's Hospital
Classification: Likely pathogenic for Actin accumulation myopathy. Last evaluated: 2026-01-15. Review status: criteria provided, single submitter. Criteria: ACMG Guidelines, 2015. Collection method: clinical testing. Allele origin: germline. Inheritance: Autosomal dominant inheritance. Affected: yes. Observed: 1 heterozygote.
Comment: 1.PVS1: The variant is a frameshift duplication (c.2777dupA) in exon 34 of COL4A1, leading to a premature stop codon (p.Asp928Glyfs*13), which is predicted to cause nonsense-mediated mRNA decay (NMD) and loss of function. Loss-of-function variants in COL4A1 are known to be pathogenic. 2.PM2_Supporting: The variant is absent from population databases (e.g., gnomAD), indicating it is not a common polymorphism. 3.Gene-disease association: COL4A1 is associated with autosomal dominant disorders including hereditary angiopathy with nephropathy, aneurysms, and muscle cramps (HANAC syndrome), brain small vessel disease with or without ocular anomalies, and susceptibility to intracerebral hemorrhage. 5.Segregation information: Not available (singleton case).